The following is an entry in ClinVar:

ClinVar aggregate classification (germline): Uncertain significance. Review status: criteria provided, multiple submitters, no conflicts (2 of 4 stars). 5 submissions from 5 submitters: Uncertain significance (5). Last evaluated 2025-07-18.

Conditions:
Congenital heart defects, multiple types, 5. Identifiers: MedGen C4693563, MONDO:0060663, OMIM 617912.

Allele frequency attached by ClinVar (database versions not stated): gnomAD 0.00006 and 0.00008.
gnomAD v4.1: 38 of 1,370,506 alleles (0.0028%); highest among the groups gnomAD compares: African/African-American, 0.0046%; no homozygotes.

Submissions (5):

Labcorp Genetics (formerly Invitae), Labcorp
Classification: Uncertain significance. Last evaluated: 2025-07-18. Review status: criteria provided, single submitter. Criteria: Invitae Variant Classification Sherloc (09022015). Collection method: clinical testing. Allele origin: germline.
Comment: This sequence change replaces arginine, which is basic and polar, with glutamine, which is neutral and polar, at codon 132 of the GATA5 protein (p.Arg132Gln). The frequency data for this variant in the population databases is considered unreliable, as metrics indicate poor data quality at this position in the gnomAD database. This variant has not been reported in the literature in individuals affected with GATA5-related conditions. ClinVar contains an entry for this variant (Variation ID: 1207765). Invitae Evidence Modeling of protein sequence and biophysical properties (such as structural, functional, and spatial information, amino acid conservation, physicochemical variation, residue mobility, and thermodynamic stability) indicates that this missense variant is not expected to disrupt GATA5 protein function with a negative predictive value of 80%. In summary, the available evidence is currently insufficient to determine the role of this variant in disease. Therefore, it has been classified as a Variant of Uncertain Significance.

GeneDx
Classification: Uncertain significance. Last evaluated: 2024-11-11. Review status: criteria provided, single submitter. Criteria: GeneDx Variant Classification Process June 2021. Collection method: clinical testing. Allele origin: germline. Affected: yes.
Comment: Not observed at significant frequency in large population cohorts (gnomAD); Has not been previously published as pathogenic or benign to our knowledge; In silico analysis supports that this missense variant has a deleterious effect on protein structure/function

Blueprint Genetics
Classification: Uncertain significance. Last evaluated: 2024-04-29. Review status: criteria provided, single submitter. Criteria: ACMG Guidelines, 2015. Collection method: clinical testing. Allele origin: germline.

Ambry Genetics
Classification: Uncertain significance. Last evaluated: 2023-04-19. Review status: criteria provided, single submitter. Criteria: Ambry Variant Classification Scheme 2023. Collection method: clinical testing. Allele origin: germline.

Department of Pathology and Laboratory Medicine, Sinai Health System
Classification: Uncertain significance for Congenital heart defects, multiple types, 5. Last evaluated: 2023-03-07. Review status: criteria provided, single submitter. Criteria: ACMG Guidelines, 2015. Collection method: research. Allele origin: germline.

NM_080473.5(GATA5):c.395G>A (p.Arg132Gln)

Gene: GATA5 (GATA binding protein 5; minus strand). Cytogenetic location: 20q13.33.
Variant type: single nucleotide variant.
Coding change: c.395G>A on transcript NM_080473.5 (MANE Select); coding-DNA position 395, G replaced by A.
Protein change: p.Arg132Gln; replaces arginine 132 with glutamine.
Molecular consequence: missense variant.
Genome position (GRCh38, 1-based): chr20:62,475,127, C>T on the plus strand (G>A on the coding strand, the complement: GATA5 is on the minus strand). VCF-style: chr20-62475127-C-T. GRCh37 (hg19) VCF-style: chr20-61050183-C-T.
Other names: short protein forms R132Q.
Identifiers: ClinVar variation 1207765 (VCV001207765.14), dbSNP rs782352129, ClinGen allele CA9946317.